The following is an entry in ClinVar:

NM_000030.3(AGXT):c.389del (p.Pro130fs)

Gene: AGXT (alanine--glyoxylate aminotransferase; plus strand). Cytogenetic location: 2q37.3.
Variant type: Deletion.
Coding change: c.389del on transcript NM_000030.3 (MANE Select); coding-DNA position 389, one base deleted (C; older notation c.389delC).
Protein change: p.Pro130fs; shifts the reading frame from proline 130.
Molecular consequence: frameshift variant.
Genome position (GRCh38, 1-based): chr2:240,870,674, C deleted; the last of 3 consecutive C bases (chr2:240,870,672-240,870,674); deleting any one gives the same sequence. VCF-style (leftmost placement, unchanged base first): chr2-240870671-AC-A. GRCh37 (hg19) VCF-style: chr2-241810088-AC-A.
Other names: short protein forms P130fs.
Identifiers: ClinVar variation 2681165 (VCV002681165.1), dbSNP rs2528742931, ClinGen allele CA2586971636.
Genomic context (GRCh38, chr2:240,870,671, plus strand): 5'-GGACACTCACGGCCCACTCTGTCCTGCACCCAGGAGCCCGAGTGCACCCGATGACCAAGG[AC>A]CCTGGAGGCCACTACACACTGCAGGAGGTGGAGGAGGTAGGGGACCCGGGGTGGGGGTCA-3'

ClinVar aggregate classification (germline): Likely pathogenic (1 of 4 stars; one submission).

Conditions:
Primary hyperoxaluria, type I (HP1). Also called: OXALOSIS I; Primary hyperoxaluria type 1; GLYCOLIC ACIDURIA; HEPATIC AGT DEFICIENCY. Identifiers: Orphanet 416, Orphanet 93598, MedGen C0268164, MONDO:0009823, OMIM 259900. Disease mechanism: loss of function.

Submission:

Clinical Biochemistry Laboratory, Health Services Laboratory
Classification: Likely pathogenic for Primary hyperoxaluria, type I. Last evaluated: 2023-10-27. Review status: criteria provided, single submitter. Criteria: ACMG Guidelines, 2015. Collection method: curation. Allele origin: germline. Affected: yes.
Comment: ACMG:PVS1 PM2

Literature cited by the submitters: PubMed 36185032.